The following is an entry in ClinVar:

ClinVar aggregate classification (germline): Pathogenic (1 of 4 stars; one submission).

Conditions:
DNA ligase IV deficiency. Identifiers: Orphanet 99812, MedGen C1847827, MONDO:0011686, OMIM 606593.

Submission:

Labcorp Genetics (formerly Invitae), Labcorp
Classification: Pathogenic for DNA ligase IV deficiency. Last evaluated: 2022-11-29. Review status: criteria provided, single submitter. Criteria: Invitae Variant Classification Sherloc (09022015). Collection method: clinical testing. Allele origin: germline.
Comment: This variant is not present in population databases (gnomAD no frequency). For these reasons, this variant has been classified as Pathogenic. This variant disrupts a region of the LIG4 protein in which other variant(s) (p.Arg814) have been determined to be pathogenic (PMID: 7063650, 16088910, 24123394, 24892279, 25239263, 27612988). This suggests that this is a clinically significant region of the protein, and that variants that disrupt it are likely to be disease-causing. This variant has not been reported in the literature in individuals affected with LIG4-related conditions. This sequence change creates a premature translational stop signal (p.Met430Ilefs*16) in the LIG4 gene. While this is not anticipated to result in nonsense mediated decay, it is expected to disrupt the last 482 amino acid(s) of the LIG4 protein.

Literature cited by the submitters: PubMed 7063650; PubMed 16088910; PubMed 24123394; PubMed 24892279; PubMed 25239263; PubMed 27612988.

NM_206937.2(LIG4):c.1289dup (p.Met430fs)

Gene: LIG4 (DNA ligase 4; minus strand). Cytogenetic location: 13q33.3.
Variant type: Duplication.
Coding change: c.1289dup on transcript NM_206937.2 (MANE Select); coding-DNA position 1289, one base duplicated (T; older notation c.1289dupT).
Protein change: p.Met430fs; shifts the reading frame from methionine 430.
Molecular consequence: frameshift variant.
Genome position (GRCh38, 1-based): chr13:108,209,980, A duplicated on the plus strand (T on the coding strand, the reverse complement: LIG4 is on the minus strand). VCF-style (leftmost placement, unchanged base first): chr13-108209979-C-CA. GRCh37 (hg19) VCF-style: chr13-108862327-C-CA.
Other names: c.1289dup, p.Met430fs (NM_002312.3, NM_001098268.2, NM_001352598.2 and 6 more transcripts); c.1088dup, p.Met363fs (NM_001330595.2); c.1325dup, p.Met442fs (NM_001352604.2); short protein forms M363fs, M430fs, M442fs.
Identifiers: ClinVar variation 2817456 (VCV002817456.3), dbSNP rs2501604196, ClinGen allele CA2739277746.